The following is an entry in ClinVar:

ClinVar aggregate classification (germline): Benign/Likely benign. Review status: criteria provided, multiple submitters, no conflicts (2 of 4 stars). 3 submissions from 3 submitters: Benign (2); Likely benign (1). Last evaluated 2026-07-01.

Allele frequency attached by ClinVar (database versions not stated): 1000 Genomes Project 30x 0.00125; 1000 Genomes Project 0.00140; TOPMed 0.00252; gnomAD 0.00342 and 0.00359; ESP Exome Variant Server 0.00346; gnomAD exomes 0.00358 and 0.00411; ExAC 0.00380.
gnomAD v4.1: 6,030 of 1,506,502 alleles (0.4%); highest among the groups gnomAD compares: Non-Finnish European, 0.44%; 16 homozygotes.

Submissions (3):

CeGaT Center for Human Genetics Tuebingen
Classification: Likely benign. Last evaluated: 2026-07-01. Review status: criteria provided, single submitter. Criteria: CeGaT Center For Human Genetics Tuebingen Variant Classification Criteria Version 2. Collection method: clinical testing. Allele origin: germline. Affected: yes. Observed: 6 variant alleles.
Comment: ZMYND8: BP4, BP7, BS2

Labcorp Genetics (formerly Invitae), Labcorp
Classification: Benign. Last evaluated: 2018-07-06. Review status: criteria provided, single submitter. Criteria: Invitae Variant Classification Sherloc (09022015). Collection method: clinical testing. Allele origin: germline.

Breakthrough Genomics
Classification: Benign. Review status: criteria provided, single submitter. Criteria: ACMG Guidelines, 2015. Collection method: not provided. Allele origin: germline. Inheritance: Unknown mechanism. Affected: yes.

NM_001281775.3(ZMYND8):c.2313G>A (p.Thr771=)

Gene: ZMYND8 (zinc finger MYND-type containing 8; minus strand). Cytogenetic location: 20q13.12.
Variant type: single nucleotide variant.
Coding change: c.2313G>A on transcript NM_001281775.3 (MANE Select); coding-DNA position 2313, G replaced by A.
Protein change: p.Thr771=; no amino-acid change (threonine 771 retained).
Molecular consequence: synonymous variant. On other transcripts: intron variant (2).
Genome position (GRCh38, 1-based): chr20:47,239,110, C>T on the plus strand (G>A on the coding strand, the complement: ZMYND8 is on the minus strand). VCF-style: chr20-47239110-C-T. GRCh37 (hg19) VCF-style: chr20-45867854-C-T.
Other names: c.2253G>A, p.Thr751= (NM_001281772.3, NM_001281773.3, NM_001281774.3 and 1 more transcripts); c.2238G>A, p.Thr746= (NM_001281777.3, NM_001281778.3, NM_001281782.3 and 1 more transcripts); c.1509G>A, p.Thr503= (NM_001281779.3, NM_001281780.3); c.2097G>A, p.Thr699= (NM_001281781.3, NM_001281784.3); c.2313G>A, p.Thr771= (NM_001281783.3, NM_012408.6, NM_183047.4); c.2334G>A, p.Thr778= (NM_001363714.1); c.2210-2594G>A (NM_001281771.3); c.2285-2594G>A (NM_001281776.3).
Identifiers: ClinVar variation 771780 (VCV000771780.12), dbSNP rs143086919, ClinGen allele CA9893436.